The following is an entry in ClinVar:

NM_020937.4(FANCM):c.5681T>C (p.Ile1894Thr)

Gene: FANCM (FA complementation group M; plus strand). Cytogenetic location: 14q21.2.
Variant type: single nucleotide variant.
Coding change: c.5681T>C on transcript NM_020937.4 (MANE Select); coding-DNA position 5681, T replaced by C.
Protein change: p.Ile1894Thr; replaces isoleucine 1894 with threonine.
Molecular consequence: missense variant.
Genome position (GRCh38, 1-based): chr14:45,196,512, T>C. VCF-style: chr14-45196512-T-C. GRCh37 (hg19) VCF-style: chr14-45665715-T-C.
Other names: c.5603T>C, p.Ile1868Thr (NM_001308133.2); short protein forms I1868T, I1894T.
Identifiers: ClinVar variation 843930 (VCV000843930.14), dbSNP rs1308170151, ClinGen allele CA389586412.

ClinVar aggregate classification (germline): Uncertain significance. Review status: criteria provided, multiple submitters, no conflicts (2 of 4 stars). 4 submissions from 4 submitters: Uncertain significance (4). Last evaluated 2023-10-26.

Conditions:
Fanconi anemia (FA). Also called: Fanconi's anemia. Identifiers: Orphanet 84, MedGen C0015625, MeSH D005199, MONDO:0019391.

Allele frequency attached by ClinVar (database versions not stated): gnomAD exomes 0.00001 and below 0.00001; TOPMed below 0.00001.
gnomAD v4.1: 6 of 1,614,052 alleles (0.00037%); highest among the groups gnomAD compares: African/African-American, 0.0013%; no homozygotes.

Submissions (4):

GeneDx
Classification: Uncertain significance. Last evaluated: 2023-10-26. Review status: criteria provided, single submitter. Criteria: GeneDx Variant Classification Process June 2021. Collection method: clinical testing. Allele origin: germline. Affected: yes.
Comment: Not observed at significant frequency in large population cohorts (gnomAD); In silico analysis supports that this missense variant has a deleterious effect on protein structure/function; Has not been previously published as pathogenic or benign to our knowledge

Labcorp Genetics (formerly Invitae), Labcorp
Classification: Uncertain significance for Fanconi anemia. Last evaluated: 2023-04-29. Review status: criteria provided, single submitter. Criteria: Invitae Variant Classification Sherloc (09022015). Collection method: clinical testing. Allele origin: germline.
Comment: This sequence change replaces isoleucine, which is neutral and non-polar, with threonine, which is neutral and polar, at codon 1894 of the FANCM protein (p.Ile1894Thr). This variant is present in population databases (no rsID available, gnomAD 0.007%). This variant has not been reported in the literature in individuals affected with FANCM-related conditions. ClinVar contains an entry for this variant (Variation ID: 843930). An algorithm developed to predict the effect of missense changes on protein structure and function (PolyPhen-2) suggests that this variant is likely to be disruptive. In summary, the available evidence is currently insufficient to determine the role of this variant in disease. Therefore, it has been classified as a Variant of Uncertain Significance.

Blueprint Genetics
Classification: Uncertain significance. Last evaluated: 2022-09-06. Review status: criteria provided, single submitter. Criteria: ACMG Guidelines, 2015. Collection method: clinical testing. Allele origin: germline.

Genetic Services Laboratory, University of Chicago
Classification: Uncertain significance. Last evaluated: 2020-10-06. Review status: criteria provided, single submitter. Criteria: ACMG Guidelines, 2015. Collection method: clinical testing. Allele origin: germline. Affected: no.
Comment: DNA sequence analysis of the FANCM gene demonstrated a sequence change, c.5681T>C, in exon 21 that results in an amino acid change, p.Ile1894Thr. This sequence change does not appear to have been previously described in patients with FANCM-related disorders and has been described in the gnomAD database in two individuals with an overall population frequency of 0.0008% (dbSNP rs1308170151). The p.Ile1894Thr change affects a moderately conserved amino acid residue located in a domain of the FANCM protein that is known to be functional. In-silico pathogenicity prediction tools (SIFT, PolyPhen2, Align GVGD, REVEL) provide contradictory results for the p.Ile1894Thr substitution. Due to these contrasting evidences and the lack of functional studies, the clinical significance of the p.Ile1894Thr change remains unknown at this time.